The following is an entry in ClinVar:

ClinVar aggregate classification (germline): Likely benign (1 of 4 stars; one submission).

gnomAD v4.1: 1 of 1,208,675 alleles (0.000083%); highest among the groups gnomAD compares: Non-Finnish European, 0.00011%; no homozygotes.

Submission:

GeneDx
Classification: Likely benign. Last evaluated: 2025-04-18. Review status: criteria provided, single submitter. Criteria: GeneDx Variant Classification Process June 2021. Collection method: clinical testing. Allele origin: germline. Affected: yes.
Comment: See Variant Classification Assertion Criteria.

NM_001081550.2(THOC2):c.1086G>C (p.Gln362His)

Gene: THOC2 (THO complex subunit 2; minus strand). Cytogenetic location: Xq25.
Variant type: single nucleotide variant.
Coding change: c.1086G>C on transcript NM_001081550.2 (MANE Select); coding-DNA position 1086, G replaced by C.
Protein change: p.Gln362His; replaces glutamine 362 with histidine.
Molecular consequence: missense variant.
Genome position (GRCh38, 1-based): chrX:123,667,210, C>G on the plus strand (G>C on the coding strand, the complement: THOC2 is on the minus strand). VCF-style: chrX-123667210-C-G. GRCh37 (hg19) VCF-style: chrX-122801061-C-G.
Other names: c.1086G>C, p.Gln362His (NM_001441236.1, NM_001441235.1); short protein forms Q362H.
Identifiers: ClinVar variation 4282472 (VCV004282472.1).